The following is an entry in ClinVar:

ClinVar aggregate classification (germline): Uncertain significance (1 of 4 stars; one submission).

Submission:

CeGaT Center for Human Genetics Tuebingen
Classification: Uncertain significance. Last evaluated: 2023-12-01. Review status: criteria provided, single submitter. Criteria: CeGaT Center For Human Genetics Tuebingen Variant Classification Criteria Version 2. Collection method: clinical testing. Allele origin: germline. Affected: yes. Observed: 1 variant allele.
Comment: CNOT1: PM2

NM_016284.5(CNOT1):c.1792G>C (p.Asp598His)

Gene: CNOT1 (CCR4-NOT transcription complex subunit 1; minus strand). Cytogenetic location: 16q21.
Variant type: single nucleotide variant.
Coding change: c.1792G>C on transcript NM_016284.5 (MANE Select); coding-DNA position 1792, G replaced by C.
Protein change: p.Asp598His; replaces aspartic acid 598 with histidine.
Molecular consequence: missense variant. On other transcripts: non-coding transcript variant (1).
Genome position (GRCh38, 1-based): chr16:58,575,042, C>G on the plus strand (G>C on the coding strand, the complement: CNOT1 is on the minus strand). VCF-style: chr16-58575042-C-G. GRCh37 (hg19) VCF-style: chr16-58608946-C-G.
Other names: c.1792G>C, p.Asp598His (NM_001265612.2, NM_206999.3); short protein forms D598H.
Identifiers: ClinVar variation 3026560 (VCV003026560.22), dbSNP rs2544052079, ClinGen allele CA396139942.